The following is an entry in ClinVar:

ClinVar aggregate classification (germline): Likely benign (1 of 4 stars; one submission).

Submission:

GeneDx
Classification: Likely benign. Last evaluated: 2016-01-04. Review status: criteria provided, single submitter. Criteria: GeneDx Variant Classification (06012015). Collection method: clinical testing. Allele origin: germline. Affected: yes.
Comment: This variant is considered likely benign or benign based on one or more of the following criteria: it is a conservative change, it occurs at a poorly conserved position in the protein, it is predicted to be benign by multiple in silico algorithms, and/or has population frequency not consistent with disease.

NM_000136.3(FANCC):c.345+18G>C

Gene: FANCC (FA complementation group C; minus strand). Cytogenetic location: 9q22.32.
Variant type: single nucleotide variant.
Coding change: c.345+18G>C on transcript NM_000136.3 (MANE Select); 18 bases into the intron after coding-DNA position 345, G replaced by C.
Molecular consequence: intron variant.
Genome position (GRCh38, 1-based): chr9:95,240,631, C>G on the plus strand (G>C on the coding strand, the complement: FANCC is on the minus strand). VCF-style: chr9-95240631-C-G. GRCh37 (hg19) VCF-style: chr9-98002913-C-G.
Other names: c.345+18G>C (NM_001243743.2, NM_001243744.2).
Identifiers: ClinVar variation 382829 (VCV000382829.1), dbSNP rs765413863, ClinGen allele CA16605748.